The following is an entry in ClinVar:

NM_176824.3(BBS7):c.340A>C (p.Met114Leu)

Gene: BBS7 (Bardet-Biedl syndrome 7; minus strand). Cytogenetic location: 4q27.
Variant type: single nucleotide variant.
Coding change: c.340A>C on transcript NM_176824.3 (MANE Select); coding-DNA position 340, A replaced by C.
Protein change: p.Met114Leu; replaces methionine 114 with leucine.
Molecular consequence: missense variant.
Genome position (GRCh38, 1-based): chr4:121,861,505, T>G on the plus strand (A>C on the coding strand, the complement: BBS7 is on the minus strand). VCF-style: chr4-121861505-T-G. GRCh37 (hg19) VCF-style: chr4-122782660-T-G.
Other names: c.340A>C, p.Met114Leu (NM_018190.4); short protein forms M114L.
Identifiers: ClinVar variation 951133 (VCV000951133.11), dbSNP rs142305911, ClinGen allele CA3064541.

ClinVar aggregate classification (germline): Uncertain significance. Review status: criteria provided, multiple submitters, no conflicts (2 of 4 stars). 4 submissions from 4 submitters: Uncertain significance (4). Last evaluated 2026-03-19.

Conditions:
BBS7-related disorder. Also called: BBS7-related condition.
Bardet-Biedl syndrome 7 (BBS7). Identifiers: Orphanet 110, MedGen C1859565, MONDO:0014435, OMIM 615984.
Inborn genetic diseases. Identifiers: MedGen C0950123, MeSH D030342.
Bardet-Biedl syndrome (BBS). Identifiers: Orphanet 110, MedGen C0752166, MONDO:0015229.

Allele frequency attached by ClinVar (database versions not stated): TOPMed 0.00019; 1000 Genomes Project 0.00040; 1000 Genomes Project 30x 0.00047; ESP Exome Variant Server 0.00054.

Submissions (4):

PreventionGenetics, part of Exact Sciences
Classification: Uncertain significance for BBS7-related condition. Last evaluated: 2026-03-19. Review status: criteria provided, single submitter. Criteria: ACMG Guidelines, 2015. Collection method: clinical testing. Allele origin: germline.
Comment: The BBS7 c.340A>C variant is predicted to result in the amino acid substitution p.Met114Leu. To our knowledge, this variant has not been reported in the literature. This variant is reported in 0.064% of alleles in individuals of African descent in gnomAD, which may be too frequent to be a primary cause of disease. Although we suspect that this variant may be benign, at this time, the clinical significance of this variant is uncertain due to the absence of conclusive functional and genetic evidence.

Ambry Genetics
Classification: Uncertain significance for Inborn genetic diseases. Last evaluated: 2025-08-13. Review status: criteria provided, single submitter. Criteria: Ambry Variant Classification Scheme 2023. Collection method: clinical testing. Allele origin: germline.

Fulgent Genetics
Classification: Uncertain significance for Bardet-Biedl syndrome 7. Last evaluated: 2024-03-05. Review status: criteria provided, single submitter. Criteria: ACMG Guidelines, 2015. Collection method: clinical testing. Allele origin: germline.

Labcorp Genetics (formerly Invitae), Labcorp
Classification: Uncertain significance for Bardet-Biedl syndrome. Last evaluated: 2024-01-22. Review status: criteria provided, single submitter. Criteria: Invitae Variant Classification Sherloc (09022015). Collection method: clinical testing. Allele origin: germline.
Comment: This sequence change replaces methionine, which is neutral and non-polar, with leucine, which is neutral and non-polar, at codon 114 of the BBS7 protein (p.Met114Leu). This variant is present in population databases (rs142305911, gnomAD 0.06%). This variant has not been reported in the literature in individuals affected with BBS7-related conditions. ClinVar contains an entry for this variant (Variation ID: 951133). An algorithm developed to predict the effect of missense changes on protein structure and function (PolyPhen-2) suggests that this variant¬†is likely to be tolerated. In summary, the available evidence is currently insufficient to determine the role of this variant in disease. Therefore, it has been classified as a Variant of Uncertain Significance.